The following is an entry in ClinVar:

NM_000276.4(OCRL):c.2009C>T (p.Thr670Ile)

Gene: OCRL (OCRL inositol polyphosphate-5-phosphatase; plus strand). Cytogenetic location: Xq26.1.
Variant type: single nucleotide variant.
Coding change: c.2009C>T on transcript NM_000276.4 (MANE Select); coding-DNA position 2009, C replaced by T.
Protein change: p.Thr670Ile; replaces threonine 670 with isoleucine.
Molecular consequence: missense variant.
Genome position (GRCh38, 1-based): chrX:129,576,446, C>T. VCF-style: chrX-129576446-C-T. GRCh37 (hg19) VCF-style: chrX-128710423-C-T.
Other names: c.2012C>T, p.Thr671Ile (NM_001318784.2); c.2009C>T, p.Thr670Ile (NM_001587.4); short protein forms T670I, T671I.
Identifiers: ClinVar variation 1057395 (VCV001057395.11), dbSNP rs1936370341, ClinGen allele CA414621498.

ClinVar aggregate classification (germline): Uncertain significance. Review status: criteria provided, multiple submitters, no conflicts (2 of 4 stars). 2 submissions from 2 submitters: Uncertain significance (2). Last evaluated 2025-02-19.

Conditions:
Lowe syndrome (OCRL). Also called: PHOSPHATIDYLINOSITOL 4,5-BISPHOSPHATE 5-PHOSPHATASE DEFICIENCY; Oculocerebrorenal Syndrome; LOWE OCULOCEREBRORENAL SYNDROME. Identifiers: Orphanet 534, MedGen C0028860, MONDO:0010645, OMIM 309000.

Allele frequency attached by ClinVar (database versions not stated): gnomAD exomes below 0.00001; TOPMed below 0.00001; gnomAD 0.00001.
gnomAD v4.1: 2 of 1,208,749 alleles (0.00017%); highest among the groups gnomAD compares: Admixed American, 0.0044%; no homozygotes.

Submissions (2):

Labcorp Genetics (formerly Invitae), Labcorp
Classification: Uncertain significance for Lowe syndrome. Last evaluated: 2025-02-19. Review status: criteria provided, single submitter. Criteria: Invitae Variant Classification Sherloc (09022015). Collection method: clinical testing. Allele origin: germline.
Comment: This sequence change replaces threonine, which is neutral and polar, with isoleucine, which is neutral and non-polar, at codon 670 of the OCRL protein (p.Thr670Ile). This variant is not present in population databases (gnomAD no frequency). This variant has not been reported in the literature in individuals affected with OCRL-related conditions. ClinVar contains an entry for this variant (Variation ID: 1057395). Invitae Evidence Modeling of protein sequence and biophysical properties (such as structural, functional, and spatial information, amino acid conservation, physicochemical variation, residue mobility, and thermodynamic stability) indicates that this missense variant is not expected to disrupt OCRL protein function with a negative predictive value of 80%. In summary, the available evidence is currently insufficient to determine the role of this variant in disease. Therefore, it has been classified as a Variant of Uncertain Significance.

GeneDx
Classification: Uncertain significance. Last evaluated: 2024-09-06. Review status: criteria provided, single submitter. Criteria: GeneDx Variant Classification Process June 2021. Collection method: clinical testing. Allele origin: germline. Affected: yes.
Comment: Not observed at significant frequency in large population cohorts (gnomAD); In silico analysis supports that this missense variant has a deleterious effect on protein structure/function; Has not been previously published as pathogenic or benign to our knowledge